The following is an entry in ClinVar:

NM_014915.3(ANKRD26):c.2780A>G (p.Glu927Gly)

Gene: ANKRD26 (ankyrin repeat domain 26; minus strand). Cytogenetic location: 10p12.1.
Variant type: single nucleotide variant.
Coding change: c.2780A>G on transcript NM_014915.3 (MANE Select); coding-DNA position 2780, A replaced by G.
Protein change: p.Glu927Gly; replaces glutamic acid 927 with glycine.
Molecular consequence: missense variant.
Genome position (GRCh38, 1-based): chr10:27,035,670, T>C on the plus strand (A>G on the coding strand, the complement: ANKRD26 is on the minus strand). VCF-style: chr10-27035670-T-C. GRCh37 (hg19) VCF-style: chr10-27324599-T-C.
Other names: c.2777A>G, p.Glu926Gly (NM_001256053.2); short protein forms E927G, E926G.
Identifiers: ClinVar variation 4580011 (VCV004580011.1).

ClinVar aggregate classification (germline): Uncertain significance (1 of 4 stars; one submission).

Conditions:
Inborn genetic diseases. Identifiers: MedGen C0950123, MeSH D030342.

gnomAD v4.1: 1 of 1,599,872 alleles (0.000063%); highest among the groups gnomAD compares: Admixed American, 0.0018%; no homozygotes.

Submission:

Ambry Genetics
Classification: Uncertain significance for Inborn genetic diseases. Last evaluated: 2025-11-17. Review status: criteria provided, single submitter. Criteria: Ambry Variant Classification Scheme 2023. Collection method: clinical testing. Allele origin: germline.
Comment: The p.E927G variant (also known as c.2780A>G), located in coding exon 24 of the ANKRD26 gene, results from an A to G substitution at nucleotide position 2780. The glutamic acid at codon 927 is replaced by glycine, an amino acid with similar properties. This amino acid position is conserved. In addition, this alteration is predicted to be tolerated by in silico analysis. Based on the available evidence, the clinical significance of this variant remains unclear.